The following is an entry in ClinVar:

NM_005996.4(TBX3):c.1169C>A (p.Pro390His)

Gene: TBX3 (T-box transcription factor 3; minus strand). Cytogenetic location: 12q24.21.
Variant type: single nucleotide variant.
Coding change: c.1169C>A on transcript NM_005996.4 (MANE Select); coding-DNA position 1169, C replaced by A.
Protein change: p.Pro390His; replaces proline 390 with histidine.
Molecular consequence: missense variant.
Genome position (GRCh38, 1-based): chr12:114,674,706, G>T on the plus strand (C>A on the coding strand, the complement: TBX3 is on the minus strand). VCF-style: chr12-114674706-G-T. GRCh37 (hg19) VCF-style: chr12-115112511-G-T.
Other names: c.1229C>A, p.Pro410His (NM_016569.4); short protein forms P410H, P390H.
Identifiers: ClinVar variation 4994521 (VCV004994521.1).

ClinVar aggregate classification (germline): Uncertain significance (1 of 4 stars; one submission).

Conditions:
TBX3-related disorder. Also called: TBX3-related condition.

Submission:

PreventionGenetics, part of Exact Sciences
Classification: Uncertain significance for TBX3-related condition. Last evaluated: 2026-05-04. Review status: criteria provided, single submitter. Criteria: ACMG Guidelines, 2015. Collection method: clinical testing. Allele origin: germline.
Comment: The TBX3 c.1229C>A variant is predicted to result in the amino acid substitution p.Pro410His. To our knowledge, this variant has not been reported in the literature or in a large population database (gnomAD), indicating this variant is rare. At this time, the clinical significance of this variant is uncertain due to the absence of conclusive functional and genetic evidence.